The following is an entry in ClinVar:

ClinVar aggregate classification (germline): Pathogenic (1 of 4 stars; one submission).

Submission:

Labcorp Genetics (formerly Invitae), Labcorp
Classification: Pathogenic. Last evaluated: 2024-08-31. Review status: criteria provided, single submitter. Criteria: Invitae Variant Classification Sherloc (09022015). Collection method: clinical testing. Allele origin: germline.
Comment: This sequence change creates a premature translational stop signal (p.Arg492*) in the EIF2AK3 gene. It is expected to result in an absent or disrupted protein product. Loss-of-function variants in EIF2AK3 are known to be pathogenic (PMID: 11997520). This variant is not present in population databases (gnomAD no frequency). This premature translational stop signal has been observed in individual(s) with Wolcott-Rallison syndrome (PMID: 22672868). This variant is also known as c.1471C>T (p.Arg491X). For these reasons, this variant has been classified as Pathogenic.

Literature cited by the submitters: PubMed 11997520; PubMed 22672868.

NM_004836.7(EIF2AK3):c.1474C>T (p.Arg492Ter)

Gene: EIF2AK3 (eukaryotic translation initiation factor 2 alpha kinase 3; minus strand). Cytogenetic location: 2p11.2.
Variant type: single nucleotide variant.
Coding change: c.1474C>T on transcript NM_004836.7 (MANE Select); coding-DNA position 1474, C replaced by T.
Protein change: p.Arg492Ter; replaces arginine 492 with a stop codon.
Molecular consequence: nonsense.
Genome position (GRCh38, 1-based): chr2:88,586,017, G>A on the plus strand (C>T on the coding strand, the complement: EIF2AK3 is on the minus strand). VCF-style: chr2-88586017-G-A. GRCh37 (hg19) VCF-style: chr2-88885535-G-A.
Other names: c.1021C>T, p.Arg341Ter (NM_001313915.2); short protein forms R341*, R492*.
Identifiers: ClinVar variation 2734243 (VCV002734243.3), dbSNP rs2529157085, ClinGen allele CA347594607.